The following is an entry in ClinVar:

NM_000257.4(MYH7):c.2815A>C (p.Lys939Gln)

Gene: MYH7 (myosin heavy chain 7; minus strand). Cytogenetic location: 14q11.2.
Variant type: single nucleotide variant.
Coding change: c.2815A>C on transcript NM_000257.4 (MANE Select); coding-DNA position 2815, A replaced by C.
Protein change: p.Lys939Gln; replaces lysine 939 with glutamine.
Molecular consequence: missense variant.
Genome position (GRCh38, 1-based): chr14:23,424,014, T>G on the plus strand (A>C on the coding strand, the complement: MYH7 is on the minus strand). VCF-style: chr14-23424014-T-G. GRCh37 (hg19) VCF-style: chr14-23893223-T-G.
Other names: short protein forms K939Q.
Identifiers: ClinVar variation 849477 (VCV000849477.11), dbSNP rs1892589978, ClinGen allele CA389046957.

ClinVar aggregate classification (germline): Uncertain significance. Review status: criteria provided, multiple submitters, no conflicts (2 of 4 stars). 3 submissions from 3 submitters: Uncertain significance (3). Last evaluated 2026-02-22.

Conditions:
Hypertrophic cardiomyopathy. Also called: HYPERTROPHIC MYOCARDIOPATHY. Identifiers: Orphanet 217569, MedGen C0007194, MeSH D002312, MONDO:0005045, HP:0001639.
Cardiovascular phenotype. Identifiers: MedGen CN230736.

Submissions (3):

Ambry Genetics
Classification: Uncertain significance for Cardiovascular phenotype. Last evaluated: 2026-02-22. Review status: criteria provided, single submitter. Criteria: Ambry Variant Classification Scheme 2023. Collection method: clinical testing. Allele origin: germline.
Comment: The p.K939Q variant (also known as c.2815A>C), located in coding exon 21 of the MYH7 gene, results from an A to C substitution at nucleotide position 2815. The lysine at codon 939 is replaced by glutamine, an amino acid with similar properties. This amino acid position is conserved. In addition, the in silico prediction for this alteration is inconclusive. Based on the available evidence, the clinical significance of this variant remains unclear.

Labcorp Genetics (formerly Invitae), Labcorp
Classification: Uncertain significance for Hypertrophic cardiomyopathy. Last evaluated: 2025-04-13. Review status: criteria provided, single submitter. Criteria: Invitae Variant Classification Sherloc (09022015). Collection method: clinical testing. Allele origin: germline.
Comment: This sequence change replaces lysine, which is basic and polar, with glutamine, which is neutral and polar, at codon 939 of the MYH7 protein (p.Lys939Gln). This variant is not present in population databases (gnomAD no frequency). This variant has not been reported in the literature in individuals affected with MYH7-related conditions. ClinVar contains an entry for this variant (Variation ID: 849477). Invitae Evidence Modeling of protein sequence and biophysical properties (such as structural, functional, and spatial information, amino acid conservation, physicochemical variation, residue mobility, and thermodynamic stability) indicates that this missense variant is expected to disrupt MYH7 protein function with a positive predictive value of 95%. In summary, the available evidence is currently insufficient to determine the role of this variant in disease. Therefore, it has been classified as a Variant of Uncertain Significance.

GeneDx
Classification: Uncertain significance. Last evaluated: 2022-07-06. Review status: criteria provided, single submitter. Criteria: GeneDx Variant Classification Process June 2021. Collection method: clinical testing. Allele origin: germline. Affected: yes.
Comment: Has not been previously published as pathogenic or benign to our knowledge; Not observed at significant frequency in large population cohorts (gnomAD); In silico analysis supports that this missense variant has a deleterious effect on protein structure/function